The following is an entry in ClinVar:

NM_000393.5(COL5A2):c.2963C>T (p.Thr988Met)

Gene: COL5A2 (collagen type V alpha 2 chain; minus strand). Cytogenetic location: 2q32.2.
Variant type: single nucleotide variant.
Coding change: c.2963C>T on transcript NM_000393.5 (MANE Select); coding-DNA position 2963, C replaced by T.
Protein change: p.Thr988Met; replaces threonine 988 with methionine.
Molecular consequence: missense variant.
Genome position (GRCh38, 1-based): chr2:189,050,645, G>A on the plus strand (C>T on the coding strand, the complement: COL5A2 is on the minus strand). VCF-style: chr2-189050645-G-A. GRCh37 (hg19) VCF-style: chr2-189915371-G-A.
Other names: p.T988M:ACG>ATG; short protein forms T988M.
Identifiers: ClinVar variation 213112 (VCV000213112.50), dbSNP rs369072636, ClinGen allele CA324402.

ClinVar aggregate classification (germline): Conflicting classifications of pathogenicity. Review status: criteria provided, conflicting classifications (1 of 4 stars). 6 submissions from 6 submitters: Uncertain significance (2); Benign (1); Likely benign (3). Last evaluated 2025-07-11.

Conditions:
Ehlers-Danlos syndrome, classic type, 1 (EDSCL1). Also called: Ehlers-Danlos syndrome, type 1; EHLERS-DANLOS SYNDROME, GRAVIS TYPE; EHLERS-DANLOS SYNDROME, SEVERE CLASSIC TYPE; Ehlers-Danlos Syndrome, Classic Type, COL5A1-Related; EDS I. Identifiers: MedGen C0268335, MONDO:0019567, OMIM 130000.
Familial thoracic aortic aneurysm and aortic dissection (TAAD). Also called: Thoracic aortic aneurysms and dissections. Identifiers: Orphanet 91387, MedGen C4707243, MONDO:0019625.

Allele frequency attached by ClinVar (database versions not stated): gnomAD exomes 0.00004 and 0.00006; ExAC 0.00014; 1000 Genomes Project 0.00020; TOPMed 0.00022; ESP Exome Variant Server 0.00024; gnomAD 0.00025 and 0.00026; 1000 Genomes Project 30x 0.00031.
gnomAD v4.1: 103 of 1,552,428 alleles (0.0066%); highest among the groups gnomAD compares: African/African-American, 0.055%; no homozygotes.

Submissions (6):

Ambry Genetics
Classification: Likely benign for Familial thoracic aortic aneurysm and aortic dissection. Last evaluated: 2025-07-11. Review status: criteria provided, single submitter. Criteria: Ambry Variant Classification Scheme 2023. Collection method: clinical testing. Allele origin: germline.

Labcorp Genetics (formerly Invitae), Labcorp
Classification: Benign for Ehlers-Danlos syndrome, classic type, 1. Last evaluated: 2025-06-04. Review status: criteria provided, single submitter. Criteria: Invitae Variant Classification Sherloc (09022015). Collection method: clinical testing. Allele origin: germline.

Women's Health and Genetics/Laboratory Corporation of America, LabCorp
Classification: Likely benign. Last evaluated: 2024-06-18. Review status: criteria provided, single submitter. Criteria: LabCorp Variant Classification Summary - May 2015. Collection method: clinical testing. Allele origin: germline.
Comment: Variant summary: COL5A2 c.2963C>T (p.Thr988Met) results in a non-conservative amino acid change in the encoded protein sequence. Four of five in-silico tools predict a damaging effect of the variant on protein function. The variant allele was found at a frequency of 6.3e-05 in 158048 control chromosomes (gnomAD). The observed variant frequency is approximately 10 fold of the estimated maximal expected allele frequency for a pathogenic variant in COL5A2 causing Ehlers-Danlos Syndrome phenotype (6.3e-06). c.2963C>T has been reported in the literature in a Chiari 1 malformation cohort without patient information (Urbizu_2021). This report does not provide unequivocal conclusions about association of the variant with Ehlers-Danlos Syndrome. To our knowledge, no experimental evidence demonstrating an impact on protein function has been reported. The following publication has been ascertained in the context of this evaluation (PMID: 33974636). ClinVar contains an entry for this variant (Variation ID: 213112). Based on the evidence outlined above, the variant was classified as likely benign.

GeneDx
Classification: Uncertain significance. Last evaluated: 2024-03-06. Review status: criteria provided, single submitter. Criteria: GeneDx Variant Classification Process June 2021. Collection method: clinical testing. Allele origin: germline. Affected: yes.
Comment: Observed in a cohort of individuals with Chiari Malformation Type 1 (CM-1) (PMID: 33974636); In silico analysis supports that this missense variant does not alter protein structure/function; This variant is associated with the following publications: (PMID: 33974636)

Blueprint Genetics
Classification: Likely benign. Last evaluated: 2023-10-27. Review status: criteria provided, single submitter. Criteria: ACMG Guidelines, 2015. Collection method: clinical testing. Allele origin: germline.

ARUP Laboratories, Molecular Genetics and Genomics, ARUP Laboratories
Classification: Uncertain significance. Last evaluated: 2016-10-09. Review status: criteria provided, single submitter. Criteria: ARUP Molecular Germline Variant Investigation Process. Collection method: clinical testing. Allele origin: germline.

Literature cited by the submitters: PubMed 33974636 (cited by Ambry Genetics and Women's Health and Genetics/Laboratory Corporation of America, LabCorp).